The following is an entry in ClinVar:

NM_014855.3(AP5Z1):c.1463C>T (p.Pro488Leu)

Gene: AP5Z1 (adaptor related protein complex 5 subunit zeta 1; plus strand). Cytogenetic location: 7p22.1.
Variant type: single nucleotide variant.
Coding change: c.1463C>T on transcript NM_014855.3 (MANE Select); coding-DNA position 1463, C replaced by T.
Protein change: p.Pro488Leu; replaces proline 488 with leucine.
Molecular consequence: missense variant. On other transcripts: non-coding transcript variant (1).
Genome position (GRCh38, 1-based): chr7:4,788,162, C>T. VCF-style: chr7-4788162-C-T. GRCh37 (hg19) VCF-style: chr7-4827793-C-T.
Other names: p.Pro488Leu; c.1463C>T, p.Pro488Leu (LRG_1247t1); c.995C>T, p.Pro332Leu (NM_001364858.1); short protein forms P488L, P332L.
Identifiers: ClinVar variation 412228 (VCV000412228.10), dbSNP rs372654170, ClinGen allele CA4137834.

ClinVar aggregate classification (germline): Uncertain significance. Review status: criteria provided, multiple submitters, no conflicts (2 of 4 stars). 2 submissions from 2 submitters: Uncertain significance (2). Last evaluated 2025-10-08.

Conditions:
Hereditary spastic paraplegia 48. Also called: Spastic paraplegia 48; SPASTIC PARAPLEGIA 48, AUTOSOMAL RECESSIVE. Identifiers: Orphanet 306511, MedGen C3150901, MONDO:0013342, OMIM 613647.

Allele frequency attached by ClinVar (database versions not stated): ESP Exome Variant Server 0.00008; gnomAD exomes 0.00008; ExAC 0.00012; gnomAD 0.00013; TOPMed 0.00014; 1000 Genomes Project 30x 0.00016; 1000 Genomes Project 0.00020.
gnomAD v4.1: 73 of 1,552,006 alleles (0.0047%); highest among the groups gnomAD compares: Middle Eastern, 0.066%; 1 homozygote.

Submissions (2):

Mayo Clinic Laboratories, Mayo Clinic
Classification: Uncertain significance. Last evaluated: 2025-10-08. Review status: criteria provided, single submitter. Criteria: ACMG Guidelines, 2015. Collection method: clinical testing. Allele origin: germline. Observed: 1 variant allele.
Comment: BP4_moderate, PM2_supporting

Labcorp Genetics (formerly Invitae), Labcorp
Classification: Uncertain significance for Hereditary spastic paraplegia 48. Last evaluated: 2022-03-09. Review status: criteria provided, single submitter. Criteria: Invitae Variant Classification Sherloc (09022015). Collection method: clinical testing. Allele origin: germline.
Comment: ClinVar contains an entry for this variant (Variation ID: 412228). Algorithms developed to predict the effect of missense changes on protein structure and function are either unavailable or do not agree on the potential impact of this missense change (SIFT: "Deleterious"; PolyPhen-2: "Benign"; Align-GVGD: "Class C0"). In summary, the available evidence is currently insufficient to determine the role of this variant in disease. Therefore, it has been classified as a Variant of Uncertain Significance. This variant has not been reported in the literature in individuals affected with AP5Z1-related conditions. This sequence change replaces proline, which is neutral and non-polar, with leucine, which is neutral and non-polar, at codon 488 of the AP5Z1 protein (p.Pro488Leu). This variant is present in population databases (rs372654170, gnomAD 0.04%).